The following is an entry in ClinVar:

NM_001099274.3(TINF2):c.118T>C (p.Ser40Pro)

Genes: TINF2 (TERF1 interacting nuclear factor 2; minus strand), LOC130055403 (ATAC-STARR-seq lymphoblastoid active region 8199; plus strand). Cytogenetic location: 14q12.
Variant type: single nucleotide variant.
Coding change: c.118T>C on transcript NM_001099274.3 (MANE Select); coding-DNA position 118, T replaced by C.
Protein change: p.Ser40Pro; replaces serine 40 with proline.
Molecular consequence: missense variant.
Genome position (GRCh38, 1-based): chr14:24,242,215, A>G on the plus strand (T>C on the coding strand, the complement: TINF2 is on the minus strand). VCF-style: chr14-24242215-A-G. GRCh37 (hg19) VCF-style: chr14-24711421-A-G.
Other names: c.118T>C, p.Ser40Pro (NM_001363668.2, NM_012461.3); short protein forms S40P.
Identifiers: ClinVar variation 3719591 (VCV003719591.2).

ClinVar aggregate classification (germline): Uncertain significance (1 of 4 stars; one submission).

Conditions:
Dyskeratosis congenita. Identifiers: Orphanet 1775, MedGen C0265965, MONDO:0015780.

Submission:

Labcorp Genetics (formerly Invitae), Labcorp
Classification: Uncertain significance for Dyskeratosis congenita. Last evaluated: 2024-09-12. Review status: criteria provided, single submitter. Criteria: Invitae Variant Classification Sherloc (09022015). Collection method: clinical testing. Allele origin: germline.
Comment: This sequence change replaces serine, which is neutral and polar, with proline, which is neutral and non-polar, at codon 40 of the TINF2 protein (p.Ser40Pro). This variant is not present in population databases (gnomAD no frequency). This variant has not been reported in the literature in individuals affected with TINF2-related conditions. An algorithm developed to predict the effect of missense changes on protein structure and function (PolyPhen-2) suggests that this variant is likely to be tolerated. In summary, the available evidence is currently insufficient to determine the role of this variant in disease. Therefore, it has been classified as a Variant of Uncertain Significance.